The following is an entry in ClinVar:

NM_000439.5(PCSK1):c.1115A>G (p.Asn372Ser)

Genes: CAST (calpastatin; plus strand), PCSK1 (proprotein convertase subtilisin/kexin type 1; minus strand), LOC101929710 (uncharacterized LOC101929710; plus strand). Cytogenetic location: 5q15.
Variant type: single nucleotide variant.
Coding change: c.1115A>G on transcript NM_000439.5 (MANE Select); coding-DNA position 1115, A replaced by G.
Protein change: p.Asn372Ser; replaces asparagine 372 with serine.
Molecular consequence: missense variant. On other transcripts: intron variant (11).
Genome position (GRCh38, 1-based): chr5:96,408,304, T>C on the plus strand (A>G on the coding strand, the complement: PCSK1 is on the minus strand). VCF-style: chr5-96408304-T-C. GRCh37 (hg19) VCF-style: chr5-95744008-T-C.
Other names: c.974A>G, p.Asn325Ser (NM_001177875.2); c.-175+28652T>C (NM_001423254.1, NM_001423259.1, NM_001423255.1 and 6 more transcripts); c.-103+28652T>C (NM_001423253.1); c.-40+28652T>C (NM_001423258.1); short protein forms N325S, N372S.
Identifiers: ClinVar variation 4992024 (VCV004992024.1).
Genomic context (GRCh38, chr5:96,408,304, plus strand): 5'-AAGATGCCAGCAGCCAGAGGTGCAGAGGCCGAGGTGCCTGTGTGCGTCTCCGTGCAGTCA[T>C]TGTGCAGGTCAGCGCTCGTCTGGATGACGTCAGGAAGGAGAGAAAGGCAGGGAGAACACG-3'
Protein context (NP_000430.3, residues 362-382): DQRITSADLH[Asn372Ser]DCTETHTGTS

ClinVar aggregate classification (germline): Uncertain significance (1 of 4 stars; one submission).

Conditions:
PCSK1-related disorder. Also called: PCSK1-related condition.

Submission:

PreventionGenetics, part of Exact Sciences
Classification: Uncertain significance for PCSK1-related condition. Last evaluated: 2026-05-22. Review status: criteria provided, single submitter. Criteria: ACMG Guidelines, 2015. Collection method: clinical testing. Allele origin: germline.
Comment: The PCSK1 c.1115A>G variant is predicted to result in the amino acid substitution p.Asn372Ser. In vitro functional studies showed this variant did not reduce protein function and could cause increased function (Supplemental Data Set 3, Shah et al. 2023. PubMed ID: 36864747). This variant has not been reported in a large population database (gnomAD), indicating this variant is rare. At this time, the clinical significance of this variant is uncertain due to the absence of conclusive functional and genetic evidence.